The following is an entry in ClinVar:

ClinVar aggregate classification (germline): Uncertain significance (1 of 4 stars; one submission).

Conditions:
Intellectual developmental disorder, X-linked 107. Also called: Intellectual disability, X-linked 107; MENTAL RETARDATION, X-LINKED 107. Identifiers: MedGen C4692652, MONDO:0049222, OMIM 301013.

Submission:

Baylor Genetics
Classification: Uncertain significance for Intellectual developmental disorder, X-linked 107. Last evaluated: 2020-03-12. Review status: criteria provided, single submitter. Criteria: ACMG Guidelines, 2015. Collection method: clinical testing. Allele origin: maternal. Affected: yes.
Comment: This variant was determined to be of uncertain significance according to ACMG Guidelines, 2015 [PMID:25741868].

NM_022101.4(STEEP1):c.44G>T (p.Arg15Leu)

Gene: STEEP1 (STING1 ER exit protein 1; minus strand). Cytogenetic location: Xq24.
Variant type: single nucleotide variant.
Coding change: c.44G>T on transcript NM_022101.4 (MANE Select); coding-DNA position 44, G replaced by T.
Protein change: p.Arg15Leu; replaces arginine 15 with leucine.
Molecular consequence: missense variant. On other transcripts: 5 prime UTR variant (1).
Genome position (GRCh38, 1-based): chrX:119,565,312, C>A on the plus strand (G>T on the coding strand, the complement: STEEP1 is on the minus strand). VCF-style: chrX-119565312-C-A. GRCh37 (hg19) VCF-style: chrX-118699275-C-A.
Other names: c.-211G>T (NM_001170569.1); c.44G>T, p.Arg15Leu (NM_001170570.2); short protein forms R15L.
Identifiers: ClinVar variation 1029844 (VCV001029844.1), dbSNP rs2053349208, ClinGen allele CA414373502.